The following is an entry in ClinVar:

ClinVar aggregate classification (germline): Pathogenic/Likely pathogenic. Review status: criteria provided, multiple submitters, no conflicts (2 of 4 stars). 5 submissions from 5 submitters: Pathogenic (3); Likely pathogenic (1). 1 of the submissions does not count toward it. Last evaluated 2025-11-24.

Conditions:
Citrullinemia type I (CTNL1). Also called: ASS DEFICIENCY; argininosuccinate synthetase deficiency. Identifiers: Orphanet 247525, MedGen C4721769, MONDO:0008988, OMIM 215700.
Citrullinemia. Identifiers: Orphanet 187, MedGen C0175683, MONDO:0015991.

Allele frequency attached by ClinVar (database versions not stated): gnomAD exomes below 0.00001.
gnomAD v4.1: 1 of 1,614,180 alleles (0.000062%); highest among the groups gnomAD compares: South Asian, 0.0011%; no homozygotes.

Submissions (5):

Natera, Inc.
Classification: Likely pathogenic for Citrullinemia type I. Last evaluated: 2025-11-24. Review status: criteria provided, single submitter. Criteria: Natera Variant Classification Schema (03/2026). Collection method: clinical testing. Allele origin: germline.
Comment: The c.412C>T variant in ASS1 is a nonsense variant predicted to introduce a stop codon at amino acid 138. This variant is expected to result in nonsense mediated decay, truncation, or a dysfunctional protein product. This variant is rare in the general population with a frequency below the threshold expected for the associated phenotype(s). Given the available evidence, this variant is classified as Likely Pathogenic.

Revvity Omics, Revvity
Classification: Pathogenic for Citrullinemia type I. Last evaluated: 2025-01-10. Review status: criteria provided, single submitter. Criteria: ACMG Guidelines, 2015. Collection method: clinical testing. Allele origin: germline.

Labcorp Genetics (formerly Invitae), Labcorp
Classification: Pathogenic for Citrullinemia. Last evaluated: 2024-07-23. Review status: criteria provided, single submitter. Criteria: Invitae Variant Classification Sherloc (09022015). Collection method: clinical testing. Allele origin: germline.
Comment: This sequence change creates a premature translational stop signal (p.Gln138*) in the ASS1 gene. It is expected to result in an absent or disrupted protein product. Loss-of-function variants in ASS1 are known to be pathogenic (PMID: 18473344, 19006241). This variant is not present in population databases (gnomAD no frequency). This premature translational stop signal has been observed in individual(s) with citrullinemia type I (PMID: 28111830). ClinVar contains an entry for this variant (Variation ID: 370237). For these reasons, this variant has been classified as Pathogenic.

Baylor Genetics
Classification: Pathogenic for Citrullinemia type I. Last evaluated: 2023-07-11. Review status: criteria provided, single submitter. Criteria: ACMG Guidelines, 2015. Collection method: clinical testing. Allele origin: unknown.

Counsyl
Classification: Likely pathogenic for Citrullinemia type I. Last evaluated: 2015-12-21. Review status: no assertion criteria provided. Collection method: clinical testing. Allele origin: unknown. Not counted in ClinVar's aggregate classification.

Literature cited by the submitters: PubMed 18473344 (cited by Labcorp Genetics (formerly Invitae), Labcorp); PubMed 19006241 (cited by Labcorp Genetics (formerly Invitae), Labcorp); PubMed 28111830 (cited by Labcorp Genetics (formerly Invitae), Labcorp).

NM_054012.4(ASS1):c.412C>T (p.Gln138Ter)

Gene: ASS1 (argininosuccinate synthase 1; plus strand). Cytogenetic location: 9q34.11.
Variant type: single nucleotide variant.
Coding change: c.412C>T on transcript NM_054012.4 (MANE Select); coding-DNA position 412, C replaced by T.
Protein change: p.Gln138Ter; replaces glutamine 138 with a stop codon.
Molecular consequence: nonsense.
Genome position (GRCh38, 1-based): chr9:130,464,159, C>T. VCF-style: chr9-130464159-C-T. GRCh37 (hg19) VCF-style: chr9-133339546-C-T.
Other names: c.412C>T, p.Gln138Ter (NM_000050.4); short protein forms Q138*.
Identifiers: ClinVar variation 370237 (VCV000370237.9), dbSNP rs1057516339, ClinGen allele CA16041300.